The following is an entry in ClinVar:

ClinVar aggregate classification (germline): Conflicting classifications of pathogenicity. Review status: criteria provided, conflicting classifications (1 of 4 stars). 3 submissions from 3 submitters: Uncertain significance (1); Likely benign (1). 1 of the submissions does not count toward it. Last evaluated 2023-04-14.

Conditions:
Neuronal ceroid lipofuscinosis. Also called: Neuronal Ceroid Lipofuscinoses. Identifiers: Orphanet 216, Orphanet 79263, MedGen C0027877, MONDO:0016295. Disease mechanism: loss of function.

gnomAD v4.1: 1 of 1,614,142 alleles (0.000062%); highest among the groups gnomAD compares: Non-Finnish European, 0.000085%; no homozygotes.

Submissions (3):

Blueprint Genetics
Classification: Likely benign. Last evaluated: 2023-04-14. Review status: criteria provided, single submitter. Criteria: ACMG Guidelines, 2015. Collection method: clinical testing. Allele origin: germline.

Labcorp Genetics (formerly Invitae), Labcorp
Classification: Uncertain significance for Neuronal ceroid lipofuscinosis. Last evaluated: 2021-09-01. Review status: criteria provided, single submitter. Criteria: Invitae Variant Classification Sherloc (09022015). Collection method: clinical testing. Allele origin: germline.
Comment: This sequence change replaces isoleucine with valine at codon 169 of the CLN5 protein (p.Ile169Val). The isoleucine residue is moderately conserved and there is a small physicochemical difference between isoleucine and valine. This variant is not present in population databases (ExAC no frequency). This variant has not been reported in the literature in individuals affected with CLN5-related conditions. Algorithms developed to predict the effect of missense changes on protein structure and function output the following: SIFT: "Tolerated"; PolyPhen-2: "Benign"; Align-GVGD: "Class C0". The valine amino acid residue is found in multiple mammalian species, which suggests that this missense change does not adversely affect protein function. In summary, the available evidence is currently insufficient to determine the role of this variant in disease. Therefore, it has been classified as a Variant of Uncertain Significance.

Natera, Inc.
Classification: Uncertain significance for Neuronal ceroid lipofuscinosis. Last evaluated: 2021-05-19. Review status: no assertion criteria provided. Collection method: clinical testing. Allele origin: germline. Not counted in ClinVar's aggregate classification.

NM_006493.4(CLN5):c.358A>G (p.Ile120Val)

Gene: CLN5 (CLN5 lysosomal BMP synthase; plus strand). Cytogenetic location: 13q22.3.
Variant type: single nucleotide variant.
Coding change: c.358A>G on transcript NM_006493.4 (MANE Select); coding-DNA position 358, A replaced by G.
Protein change: p.Ile120Val; replaces isoleucine 120 with valine.
Molecular consequence: missense variant.
Genome position (GRCh38, 1-based): chr13:76,995,920, A>G. VCF-style: chr13-76995920-A-G. GRCh37 (hg19) VCF-style: chr13-77570055-A-G.
Other names: c.358A>G, p.Ile120Val (NM_001366624.2); short protein forms I120V.
Identifiers: ClinVar variation 966545 (VCV000966545.8), dbSNP rs1231886495, ClinGen allele CA388308673.